The following is an entry in ClinVar:

ClinVar aggregate classification (germline): Uncertain significance (1 of 4 stars; one submission).

Conditions:
Epileptic encephalopathy. Identifiers: MedGen C0543888, HP:0200134.

Submission:

Labcorp Genetics (formerly Invitae), Labcorp
Classification: Uncertain significance for Epileptic encephalopathy. Last evaluated: 2024-11-11. Review status: criteria provided, single submitter. Criteria: Invitae Variant Classification Sherloc (09022015). Collection method: clinical testing. Allele origin: germline.
Comment: This variant, c.128_130delinsATT, is a complex sequence change that results in the deletion of 1 amino acid and insertion of 2 amino acid(s) in the FASN protein (p.Gly43_Leu44delinsAspPhe). Information on the frequency of this variant in the gnomAD database is not available, as this variant may be reported differently in the database. This variant has not been reported in the literature in individuals affected with FASN-related conditions. ClinVar contains an entry for this variant (Variation ID: 531064). Experimental studies and prediction algorithms are not available or were not evaluated, and the functional significance of this variant is currently unknown. In summary, the available evidence is currently insufficient to determine the role of this variant in disease. Therefore, it has been classified as a Variant of Uncertain Significance.

NM_004104.5(FASN):c.128_130delinsATT (p.Gly43_Leu44delinsAspPhe)

Gene: FASN (fatty acid synthase; minus strand). Cytogenetic location: 17q25.3.
Variant type: Indel.
Coding change: c.128_130delinsATT on transcript NM_004104.5 (MANE Select); coding-DNA positions 128 to 130, GGC replaced by ATT.
Protein change: p.Gly43_Leu44delinsAspPhe.
Molecular consequence: missense variant.
Genome position (GRCh38, 1-based): chr17:82,095,470-82,095,472, GCC replaced by AAT on the plus strand (GGC replaced by ATT on the coding strand, the reverse complement: FASN is on the minus strand). VCF-style: chr17-82095470-GCC-AAT. GRCh37 (hg19) VCF-style: chr17-80053346-GCC-AAT.
Other names: c.128_130delinsATT (NM_004104.4).
Identifiers: ClinVar variation 531064 (VCV000531064.10), dbSNP rs1555669729, ClinGen allele CA658798984.